The following is an entry in ClinVar:

ClinVar aggregate classification (germline): Uncertain significance (1 of 4 stars; one submission).

gnomAD v4.1: 1 of 1,613,838 alleles (0.000062%); highest among the groups gnomAD compares: Non-Finnish European, 0.000085%; no homozygotes.

Submission:

Ambry Genetics
Classification: Uncertain significance. Last evaluated: 2024-10-08. Review status: criteria provided, single submitter. Criteria: Ambry Variant Classification Scheme 2023. Collection method: clinical testing. Allele origin: germline.
Comment: The p.E198D variant (also known as c.594A>T), located in coding exon 7 of the NPAT gene, results from an A to T substitution at nucleotide position 594. The glutamic acid at codon 198 is replaced by aspartic acid, an amino acid with highly similar properties. This amino acid position is conserved. In addition, this alteration is predicted to be tolerated by in silico analysis. Based on the available evidence, the clinical significance of this variant remains unclear.

NM_002519.3(NPAT):c.594A>T (p.Glu198Asp)

Gene: NPAT (nuclear protein, coactivator of histone transcription; minus strand). Cytogenetic location: 11q22.3.
Variant type: single nucleotide variant.
Coding change: c.594A>T on transcript NM_002519.3 (MANE Select); coding-DNA position 594, A replaced by T.
Protein change: p.Glu198Asp; replaces glutamic acid 198 with aspartic acid.
Molecular consequence: missense variant.
Genome position (GRCh38, 1-based): chr11:108,188,142, T>A on the plus strand (A>T on the coding strand, the complement: NPAT is on the minus strand). VCF-style: chr11-108188142-T-A. GRCh37 (hg19) VCF-style: chr11-108058869-T-A.
Other names: c.594A>T, p.Glu198Asp (NM_001321307.1); short protein forms E198D.
Identifiers: ClinVar variation 3407233 (VCV003407233.1).
Genomic context (GRCh38, chr11:108,188,142, plus strand): 5'-TTTAAAAAGCATTTACCTTTTGCGTCTACCGGGAGACATTAAACTGGCATGTGCTTTCTT[T>A]TCCTGAGCACCAGGAATGACATTTAAAGCTTCTCCAGCTGTATTTCAAGAAAACATAACA-3'
Protein context (NP_002510.2, residues 188-208): EALNVIPGAQ[Glu198Asp]KKAHASLMSP